The following is an entry in ClinVar:

ClinVar aggregate classification (germline): Uncertain significance (1 of 4 stars; one submission).

Conditions:
Accelerated tumor formation, susceptibility to (ACTFS). Identifiers: MedGen C3280690, OMIM 614401, MONDO:0013733.

Submission:

Labcorp Genetics (formerly Invitae), Labcorp
Classification: Uncertain significance for Accelerated tumor formation, susceptibility to. Last evaluated: 2023-10-24. Review status: criteria provided, single submitter. Criteria: Invitae Variant Classification Sherloc (09022015). Collection method: clinical testing. Allele origin: germline.
Comment: This sequence change replaces cysteine, which is neutral and slightly polar, with tyrosine, which is neutral and polar, at codon 368 of the MDM2 protein (p.Cys368Tyr). This variant is not present in population databases (gnomAD no frequency). This variant has not been reported in the literature in individuals affected with MDM2-related conditions. An algorithm developed to predict the effect of missense changes on protein structure and function (PolyPhen-2) suggests that this variant is likely to be disruptive. In summary, the available evidence is currently insufficient to determine the role of this variant in disease. Therefore, it has been classified as a Variant of Uncertain Significance.

NM_002392.6(MDM2):c.1103G>A (p.Cys368Tyr)

Gene: MDM2 (MDM2 proto-oncogene; plus strand). Cytogenetic location: 12q15.
Variant type: single nucleotide variant.
Coding change: c.1103G>A on transcript NM_002392.6 (MANE Select); coding-DNA position 1103, G replaced by A.
Protein change: p.Cys368Tyr; replaces cysteine 368 with tyrosine.
Molecular consequence: missense variant.
Genome position (GRCh38, 1-based): chr12:68,839,458, G>A. VCF-style: chr12-68839458-G-A. GRCh37 (hg19) VCF-style: chr12-69233238-G-A.
Other names: c.944G>A, p.Cys315Tyr (NM_001145337.3); c.938G>A, p.Cys313Tyr (NM_001145339.2); c.497G>A, p.Cys166Tyr (NM_001145340.3); c.575G>A, p.Cys192Tyr (NM_001278462.2); c.1085G>A, p.Cys362Tyr (NM_001367990.1); short protein forms C192Y, C368Y, C313Y, C315Y, C362Y, C166Y.
Identifiers: ClinVar variation 2815165 (VCV002815165.3), dbSNP rs2136177919, ClinGen allele CA385704782.